The following is an entry in ClinVar:

ClinVar aggregate classification (germline): Uncertain significance (1 of 4 stars; one submission).

Allele frequency attached by ClinVar (database versions not stated): TOPMed below 0.00001.
gnomAD v4.1: 3 of 1,614,242 alleles (0.00019%); highest among the groups gnomAD compares: Admixed American, 0.0017%; no homozygotes.

Submission:

Labcorp Genetics (formerly Invitae), Labcorp
Classification: Uncertain significance. Last evaluated: 2025-08-08. Review status: criteria provided, single submitter. Criteria: Invitae Variant Classification Sherloc (09022015). Collection method: clinical testing. Allele origin: germline.
Comment: This sequence change replaces histidine, which is basic and polar, with arginine, which is basic and polar, at codon 420 of the MCM4 protein (p.His420Arg). This variant is not present in population databases (gnomAD no frequency). This variant has not been reported in the literature in individuals affected with MCM4-related conditions. ClinVar contains an entry for this variant (Variation ID: 1521248). Invitae Evidence Modeling of protein sequence and biophysical properties (such as structural, functional, and spatial information, amino acid conservation, physicochemical variation, residue mobility, and thermodynamic stability) indicates that this missense variant is expected to disrupt MCM4 protein function with a positive predictive value of 80%. In summary, the available evidence is currently insufficient to determine the role of this variant in disease. Therefore, it has been classified as a Variant of Uncertain Significance.

NM_182746.3(MCM4):c.1259A>G (p.His420Arg)

Gene: MCM4 (minichromosome maintenance complex component 4; plus strand). Cytogenetic location: 8q11.21.
Variant type: single nucleotide variant.
Coding change: c.1259A>G on transcript NM_182746.3 (MANE Select); coding-DNA position 1259, A replaced by G.
Protein change: p.His420Arg; replaces histidine 420 with arginine.
Molecular consequence: missense variant.
Genome position (GRCh38, 1-based): chr8:47,969,882, A>G. VCF-style: chr8-47969882-A-G. GRCh37 (hg19) VCF-style: chr8-48882442-A-G.
Other names: c.1259A>G, p.His420Arg (NM_005914.4); short protein forms H420R.
Identifiers: ClinVar variation 1521248 (VCV001521248.6), dbSNP rs2090935895, ClinGen allele CA371151230.